The following is an entry in ClinVar:

ClinVar aggregate classification (germline): Uncertain significance (1 of 4 stars; one submission).

gnomAD v4.1: 2 of 1,613,992 alleles (0.00012%); highest among the groups gnomAD compares: Non-Finnish European, 0.00017%; no homozygotes.

Submission:

Ambry Genetics
Classification: Uncertain significance. Last evaluated: 2024-06-30. Review status: criteria provided, single submitter. Criteria: Ambry Variant Classification Scheme 2023. Collection method: clinical testing. Allele origin: germline.
Comment: The p.A697V variant (also known as c.2090C>T), located in coding exon 18 of the BUB1 gene, results from a C to T substitution at nucleotide position 2090. The alanine at codon 697 is replaced by valine, an amino acid with similar properties. This amino acid position is conserved. In addition, this alteration is predicted to be tolerated by in silico analysis. Based on the available evidence, the clinical significance of this variant remains unclear.

NM_004336.5(BUB1):c.2090C>T (p.Ala697Val)

Gene: BUB1 (BUB1 mitotic checkpoint serine/threonine kinase; minus strand). Cytogenetic location: 2q13.
Variant type: single nucleotide variant.
Coding change: c.2090C>T on transcript NM_004336.5 (MANE Select); coding-DNA position 2090, C replaced by T.
Protein change: p.Ala697Val; replaces alanine 697 with valine.
Molecular consequence: missense variant.
Genome position (GRCh38, 1-based): chr2:110,650,659, G>A on the plus strand (C>T on the coding strand, the complement: BUB1 is on the minus strand). VCF-style: chr2-110650659-G-A. GRCh37 (hg19) VCF-style: chr2-111408236-G-A.
Other names: c.2030C>T, p.Ala677Val (NM_001278616.2); c.2090C>T, p.Ala697Val (NM_001278617.2); short protein forms A677V, A697V.
Identifiers: ClinVar variation 3483001 (VCV003483001.1).